The following is an entry in ClinVar:

NM_001283009.2(RTEL1):c.3400G>C (p.Asp1134His)

Genes: RTEL1 (regulator of telomere elongation helicase 1; plus strand), RTEL1-TNFRSF6B (RTEL1-TNFRSF6B readthrough (NMD candidate); plus strand). Cytogenetic location: 20q13.33.
Variant type: single nucleotide variant.
Coding change: c.3400G>C on transcript NM_001283009.2 (MANE Select); coding-DNA position 3400, G replaced by C.
Protein change: p.Asp1134His; replaces aspartic acid 1134 with histidine.
Molecular consequence: missense variant. On other transcripts: non-coding transcript variant (1).
Genome position (GRCh38, 1-based): chr20:63,695,122, G>C. VCF-style: chr20-63695122-G-C. GRCh37 (hg19) VCF-style: chr20-62326475-G-C.
Other names: c.2731G>C, p.Asp911His (NM_001283010.1); c.3400G>C, p.Asp1134His (NM_016434.4); c.3472G>C, p.Asp1158His (NM_032957.5); short protein forms D1134H, D1158H, D911H.
Identifiers: ClinVar variation 4863536 (VCV004863536.1).

ClinVar aggregate classification (germline): Uncertain significance (1 of 4 stars; one submission).

Conditions:
Inborn genetic diseases. Identifiers: MedGen C0950123, MeSH D030342.

gnomAD v4.1: 1 of 1,612,428 alleles (0.000062%); highest among the groups gnomAD compares: Non-Finnish European, 0.000085%; no homozygotes.

Submission:

Ambry Genetics
Classification: Uncertain significance for Inborn genetic diseases. Last evaluated: 2026-04-03. Review status: criteria provided, single submitter. Criteria: Ambry Variant Classification Scheme 2023. Collection method: clinical testing. Allele origin: germline.
Comment: The p.D1134H variant (also known as c.3400G>C), located in coding exon 32 of the RTEL1 gene, results from a G to C substitution at nucleotide position 3400. The aspartic acid at codon 1134 is replaced by histidine, an amino acid with similar properties. This amino acid position is conserved. In addition, the in silico prediction for this alteration is inconclusive. Based on the available evidence, the clinical significance of this variant remains unclear.